The following is an entry in ClinVar:

NM_000391.4(TPP1):c.541T>A (p.Ser181Thr)

Gene: TPP1 (tripeptidyl peptidase 1; minus strand). Cytogenetic location: 11p15.4.
Variant type: single nucleotide variant.
Coding change: c.541T>A on transcript NM_000391.4 (MANE Select); coding-DNA position 541, T replaced by A.
Protein change: p.Ser181Thr; replaces serine 181 with threonine.
Molecular consequence: missense variant.
Genome position (GRCh38, 1-based): chr11:6,617,121, A>T on the plus strand (T>A on the coding strand, the complement: TPP1 is on the minus strand). VCF-style: chr11-6617121-A-T. GRCh37 (hg19) VCF-style: chr11-6638352-A-T.
Other names: short protein forms S181T.
Identifiers: ClinVar variation 2016273 (VCV002016273.4), dbSNP rs2493799535, ClinGen allele CA379475601.

ClinVar aggregate classification (germline): Uncertain significance (1 of 4 stars; one submission).

Submission:

Labcorp Genetics (formerly Invitae), Labcorp
Classification: Uncertain significance. Last evaluated: 2022-07-12. Review status: criteria provided, single submitter. Criteria: Invitae Variant Classification Sherloc (09022015). Collection method: clinical testing. Allele origin: germline.
Comment: In summary, the available evidence is currently insufficient to determine the role of this variant in disease. Therefore, it has been classified as a Variant of Uncertain Significance. Advanced modeling of protein sequence and biophysical properties (such as structural, functional, and spatial information, amino acid conservation, physicochemical variation, residue mobility, and thermodynamic stability) performed at Invitae indicates that this missense variant is not expected to disrupt TPP1 protein function. This variant has not been reported in the literature in individuals affected with TPP1-related conditions. This variant is not present in population databases (gnomAD no frequency). This sequence change replaces serine, which is neutral and polar, with threonine, which is neutral and polar, at codon 181 of the TPP1 protein (p.Ser181Thr).